The following is an entry in ClinVar:

ClinVar aggregate classification (germline): Uncertain significance (1 of 4 stars; one submission).

Allele frequency attached by ClinVar (database versions not stated): gnomAD exomes below 0.00001; TOPMed below 0.00001; gnomAD 0.00001.
gnomAD v4.1: 2 of 1,613,910 alleles (0.00012%); highest among the groups gnomAD compares: Non-Finnish European, 0.00017%; no homozygotes.

Submission:

Labcorp Genetics (formerly Invitae), Labcorp
Classification: Uncertain significance. Last evaluated: 2021-08-23. Review status: criteria provided, single submitter. Criteria: Invitae Variant Classification Sherloc (09022015). Collection method: clinical testing. Allele origin: germline.
Comment: This sequence change replaces isoleucine with methionine at codon 476 of the GSN protein (p.Ile476Met). The isoleucine residue is moderately conserved and there is a small physicochemical difference between isoleucine and methionine. This variant is not present in population databases (ExAC no frequency). This variant has not been reported in the literature in individuals affected with GSN-related conditions. Algorithms developed to predict the effect of missense changes on protein structure and function are either unavailable or do not agree on the potential impact of this missense change (SIFT: "Tolerated"; PolyPhen-2: "Possibly Damaging"; Align-GVGD: "Class C0"). In summary, the available evidence is currently insufficient to determine the role of this variant in disease. Therefore, it has been classified as a Variant of Uncertain Significance.

NM_198252.3(GSN):c.1275T>G (p.Ile425Met)

Gene: GSN (gelsolin; plus strand). Cytogenetic location: 9q33.2.
Variant type: single nucleotide variant.
Coding change: c.1275T>G on transcript NM_198252.3 (MANE Select); coding-DNA position 1275, T replaced by G.
Protein change: p.Ile425Met; replaces isoleucine 425 with methionine.
Molecular consequence: missense variant.
Genome position (GRCh38, 1-based): chr9:121,321,351, T>G. VCF-style: chr9-121321351-T-G. GRCh37 (hg19) VCF-style: chr9-124083629-T-G.
Other names: c.1326T>G, p.Ile442Met (NM_001258029.2); c.1299T>G, p.Ile433Met (NM_001258030.2); c.1275T>G, p.Ile425Met (NM_001353053.1, NM_001353054.1, NM_001353055.2 and 10 more transcripts); c.1308T>G, p.Ile436Met (NM_001353070.2, NM_001353071.2, NM_001353072.2 and 13 more transcripts); c.1347T>G, p.Ile449Met (NM_001353076.2); c.621T>G, p.Ile207Met (NM_001353078.2); c.1428T>G, p.Ile476Met (NM_000177.5); c.1383T>G, p.Ile461Met (NM_001127663.2); short protein forms I425M, I433M, I461M, I207M, I442M, I449M, I476M, I436M.
Identifiers: ClinVar variation 1377077 (VCV001377077.6), dbSNP rs2062420964, ClinGen allele CA374749934.